The following is an entry in ClinVar:

ClinVar aggregate classification (germline): Conflicting classifications of pathogenicity. Review status: criteria provided, conflicting classifications (1 of 4 stars). 7 submissions from 7 submitters: Pathogenic (1); Likely pathogenic (3); Uncertain significance (2). 1 of the submissions does not count toward it. Last evaluated 2026-06-08.

Conditions:
Alport syndrome 3b, autosomal recessive. Identifiers: MedGen C5882699, MONDO:0957811, OMIM 620536.
Hematuria, benign familial, 2 (BFH2). Identifiers: MedGen C5830421, MONDO:0958186, OMIM 620320.
Autosomal dominant Alport syndrome (ATS3A). Also called: Alport syndrome dominant type; Renal failure and sensorineural hearing loss; ALPORT SYNDROME 3A, AUTOSOMAL DOMINANT. Identifiers: Orphanet 63, Orphanet 88918, MedGen C5882663, MONDO:0007086, OMIM 104200.
COL4A3-related disorder. Also called: COL4A3-Related Disorders; COL4A3-related condition.
Alport syndrome. Also called: Hemorrhagic familial nephritis; Hemorrhagic hereditary nephritis; Congenital hereditary hematuria. Identifiers: Orphanet 63, MedGen C1567741, MONDO:0018965.

Allele frequency attached by ClinVar (database versions not stated): gnomAD 0.00001; gnomAD exomes 0.00002 and 0.00004; ExAC 0.00003; ESP Exome Variant Server 0.00008.
gnomAD v4.1: 65 of 1,611,450 alleles (0.004%); highest among the groups gnomAD compares: Admixed American, 0.005%; no homozygotes.

Submissions (7):

PreventionGenetics, part of Exact Sciences
Classification: Likely pathogenic for COL4A3-related condition. Last evaluated: 2026-06-08. Review status: criteria provided, single submitter. Criteria: ACMG Guidelines, 2015. Collection method: clinical testing. Allele origin: germline.
Comment: The COL4A3 c.441G>A variant is not predicted to result in an amino acid change (p.=). This variant is located at the last nucleotide of the exon and is predicted to abolish the canonical donor splice site (SpliceAI, Jaganathan et al. 2019. PubMed ID: 30661751). In a minigene assay, this variant has been shown to cause exon 7 skipping in a majority of transcripts, resulting in an in-frame deletion of 18 amino acids within the triple-helical domain, along with residual canonical transcript production (Wang et al. 2026. PubMed ID: 42204651). This variant has been reported in the heterozygous state in an individual with hematuria, proteinuria, chronic kidney disease, abnormality of the eye, and hypertension; the variant was inherited from a parent with hematuria who was reported to be homozygous for the variant (Supplementary Table S2, Halat-Wolska et al. 2025. PubMed ID: 40004525). At PreventionGenetics, this variant has been reported in the heterozygous state in a family with individuals presenting with microscopic hematuria or hematuria (Internal data). This variant is reported in 0.0057% of alleles in individuals of Latino descent in gnomAD. Taken together, this variant is interpreted as likely pathogenic for both autosomal dominant and recessive COL4A3-related Alport syndrome spectrum disorders.

Labcorp Genetics (formerly Invitae), Labcorp
Classification: Pathogenic. Last evaluated: 2026-01-18. Review status: criteria provided, single submitter. Criteria: Invitae Variant Classification Sherloc (09022015). Collection method: clinical testing. Allele origin: germline.
Comment: This sequence change affects codon 147 of the COL4A3 mRNA. It is a 'silent' change, meaning that it does not change the encoded amino acid sequence of the COL4A3 protein. This variant also falls at the last nucleotide of exon 7, which is part of the consensus splice site for this exon. This variant is present in population databases (rs373559251, gnomAD 0.006%). This variant has been observed in individuals with clinical features of autosomal dominant Alport syndrome and thin basement membrane nephropathy (PMID: 40004525; internal data). ClinVar contains an entry for this variant (Variation ID: 452744). Variants that disrupt the consensus splice site are a relatively common cause of aberrant splicing (PMID: 17576681, 9536098). Algorithms developed to predict the effect of sequence changes on RNA splicing suggest that this variant may disrupt the consensus splice site. For these reasons, this variant has been classified as Pathogenic.

Women's Health and Genetics/Laboratory Corporation of America, LabCorp
Classification: Likely pathogenic for Autosomal dominant Alport syndrome. Last evaluated: 2025-06-06. Review status: criteria provided, single submitter. Criteria: LabCorp Variant Classification Summary - May 2015. Collection method: clinical testing. Allele origin: germline.
Comment: Variant summary: COL4A3 c.441G>A (p.Pro147Pro) alters a conserved nucleotide located close to a canonical splice site and therefore could affect mRNA splicing, leading to a significantly altered protein sequence. Several computational tools predict a significant impact on normal splicing: Three predict the variant abolishes a 5' splicing donor site. One predicts the variant weakens a 5' donor site. However, these predictions have yet to be confirmed by functional studies. The variant allele was found at a frequency of 2.4e-05 in 249264 control chromosomes. c.441G>A has been observed in individual(s) affected with Alport Syndrome, Autosomal Dominant (example: internal data). The variant was also observed in the heterozygous state in an individual with Alport syndrome and the individual's mother, who was also affected with Alport syndrome, was homozygous for the variant (example: Halat-Wolska_2025). These data indicate that the variant is likely to be associated with disease. To our knowledge, no experimental evidence demonstrating an impact on protein function has been reported. The following publication has been ascertained in the context of this evaluation (PMID: 40004525). ClinVar contains an entry for this variant (Variation ID: 452744). While this variant has been reported in the literature, the clinical significance of the variant for Alport syndrome, Autosomal Recessive could not be established. Based on the evidence outlined above, the variant was classified as likely pathogenic for Alport syndrome, Autosomal Dominant.

GeneDx
Classification: Uncertain significance. Last evaluated: 2025-02-04. Review status: criteria provided, single submitter. Criteria: GeneDx Variant Classification Process June 2021. Collection method: clinical testing. Allele origin: germline. Affected: yes.
Comment: In silico analysis supports a deleterious effect on splicing; Has not been previously published as pathogenic or benign to our knowledge

ARUP Laboratories, Molecular Genetics and Genomics, ARUP Laboratories
Classification: Uncertain significance. Last evaluated: 2024-08-08. Review status: criteria provided, single submitter. Criteria: ARUP Molecular Germline Variant Investigation Process 2024. Collection method: clinical testing. Allele origin: germline.
Comment: The COL4A3 c.441G>A; p.Pro147Pro variant (rs373559251), to our knowledge, is not reported in the medical literature but is reported in ClinVar (Variation ID: 452744). This variant is found in the general population with an overall allele frequency of 0.002% (7/280,648 alleles) in the Genome Aggregation Database (v2.1.1). This is a synonymous variant and computational analyses (Alamut Visual Plus v.1.5.1) predict that this variant may impact splicing by weakening the nearby canonical donor splice site. Due to limited information, the clinical significance of this variant is uncertain at this time.

Fulgent Genetics
Classification: Likely pathogenic for Autosomal dominant Alport syndrome; Hematuria, benign familial, 2; Alport syndrome 3b, autosomal recessive. Last evaluated: 2024-02-18. Review status: criteria provided, single submitter. Criteria: ACMG Guidelines, 2015. Collection method: clinical testing. Allele origin: germline.

Natera, Inc.
Classification: Uncertain significance for Alport syndrome. Last evaluated: 2020-09-16. Review status: no assertion criteria provided. Collection method: clinical testing. Allele origin: germline. Not counted in ClinVar's aggregate classification.

Literature cited by the submitters: PubMed 40004525 (cited by Labcorp Genetics (formerly Invitae), Labcorp and Women's Health and Genetics/Laboratory Corporation of America, LabCorp); PubMed 17576681 (cited by Labcorp Genetics (formerly Invitae), Labcorp); PubMed 9536098 (cited by Labcorp Genetics (formerly Invitae), Labcorp).

NM_000091.5(COL4A3):c.441G>A (p.Pro147=)

Genes: COL4A3 (collagen type IV alpha 3 chain; plus strand), MFF-DT (MFF divergent transcript; minus strand). Cytogenetic location: 2q36.3.
Variant type: single nucleotide variant.
Coding change: c.441G>A on transcript NM_000091.5 (MANE Select); coding-DNA position 441, G replaced by A.
Protein change: p.Pro147=; no amino-acid change (proline 147 retained).
Molecular consequence: synonymous variant.
Genome position (GRCh38, 1-based): chr2:227,246,738, G>A. VCF-style: chr2-227246738-G-A. GRCh37 (hg19) VCF-style: chr2-228111454-G-A.
Identifiers: ClinVar variation 452744 (VCV000452744.19), dbSNP rs373559251, ClinGen allele CA2146090.